The following is an entry in ClinVar:

NM_020988.3(GNAO1):c.601G>T (p.Asp201Tyr)

Gene: GNAO1 (G protein subunit alpha o1; plus strand). Cytogenetic location: 16q13.
Variant type: single nucleotide variant.
Coding change: c.601G>T on transcript NM_020988.3 (MANE Select); coding-DNA position 601, G replaced by T.
Protein change: p.Asp201Tyr; replaces aspartic acid 201 with tyrosine.
Molecular consequence: missense variant.
Genome position (GRCh38, 1-based): chr16:56,336,738, G>T. VCF-style: chr16-56336738-G-T. GRCh37 (hg19) VCF-style: chr16-56370650-G-T.
Other names: c.601G>T, p.Asp201Tyr (NM_138736.3); short protein forms D201Y.
Identifiers: ClinVar variation 1751124 (VCV001751124.2), dbSNP rs567136805, ClinGen allele CA395952149.

ClinVar aggregate classification (germline): Likely pathogenic (1 of 4 stars; one submission).

Conditions:
Inborn genetic diseases. Identifiers: MedGen C0950123, MeSH D030342.

Allele frequency attached by ClinVar (database versions not stated): gnomAD exomes below 0.00001.
gnomAD v4.1: 1 of 1,610,938 alleles (0.000062%); highest among the groups gnomAD compares: South Asian, 0.0011%; no homozygotes.

Submission:

Ambry Genetics
Classification: Likely pathogenic for Inborn genetic diseases. Last evaluated: 2017-07-14. Review status: criteria provided, single submitter. Criteria: Ambry Variant Classification Scheme 2023. Collection method: clinical testing. Allele origin: germline.
Comment: The p.D201Y variant (also known as c.601G>T), located in coding exon 6 of the GNAO1 gene, results from a G to T substitution at nucleotide position 601. The aspartic acid at codon 201 is replaced by tyrosine, an amino acid with highly dissimilar properties. This variant has been determined to be the result of germline mosaicism in one family with an isolated case of developmental delay, seizure, and hypotonia. Based on our internal structural analysis, the aspartic acid is located in the DNA binding motif and interacts with metal binding residues; the substitution to tyrosine is predicted to increase local energy, likely leading to disruption of the local DNA binding motif (Wall MA et al. Cell, 1995 Dec;83:1047-58; Tesmer JJ et al. Cell, 1997 Apr;89:251-61; Slep KC et al. Proc. Natl. Acad. Sci. U.S.A., 2008 Apr;105:6243-8). This amino acid position is highly conserved in available vertebrate species. In addition, this alteration is predicted to be deleterious by in silico analysis. Based on the majority of available evidence to date, this variant is likely to be pathogenic.

Literature cited by the submitters: PubMed 18434540; PubMed 8521505; PubMed 9108480.